The following is an entry in ClinVar:

NM_004958.4(MTOR):c.840+3G>A

Gene: MTOR (mechanistic target of rapamycin kinase; minus strand). Cytogenetic location: 1p36.22.
Variant type: single nucleotide variant.
Coding change: c.840+3G>A on transcript NM_004958.4 (MANE Select); 3 bases into the intron after coding-DNA position 840, G replaced by A.
Molecular consequence: intron variant.
Genome position (GRCh38, 1-based): chr1:11,253,836, C>T on the plus strand (G>A on the coding strand, the complement: MTOR is on the minus strand). VCF-style: chr1-11253836-C-T. GRCh37 (hg19) VCF-style: chr1-11313893-C-T.
Other names: c.-300+3G>A (NM_001386501.1); c.840+3G>A (NM_001386500.1).
Identifiers: ClinVar variation 3778478 (VCV003778478.7).

ClinVar aggregate classification (germline): Uncertain significance (1 of 4 stars; one submission).

Submission:

CeGaT Center for Human Genetics Tuebingen
Classification: Uncertain significance. Last evaluated: 2025-03-01. Review status: criteria provided, single submitter. Criteria: CeGaT Center For Human Genetics Tuebingen Variant Classification Criteria Version 2. Collection method: clinical testing. Allele origin: germline. Affected: yes. Observed: 1 variant allele.
Comment: MTOR: PM2, BP4